The following is an entry in ClinVar:

NM_014003.4(DHX38):c.872C>A (p.Ser291Tyr)

Gene: DHX38 (DEAH-box helicase 38; plus strand). Cytogenetic location: 16q22.2.
Variant type: single nucleotide variant.
Coding change: c.872C>A on transcript NM_014003.4 (MANE Select); coding-DNA position 872, C replaced by A.
Protein change: p.Ser291Tyr; replaces serine 291 with tyrosine.
Molecular consequence: missense variant.
Genome position (GRCh38, 1-based): chr16:72,099,034, C>A. VCF-style: chr16-72099034-C-A. GRCh37 (hg19) VCF-style: chr16-72132933-C-A.
Other names: short protein forms S291Y.
Identifiers: ClinVar variation 936996 (VCV000936996.9), dbSNP rs2042060925, ClinGen allele CA396703601.

ClinVar aggregate classification (germline): Uncertain significance (1 of 4 stars; one submission).

Allele frequency attached by ClinVar (database versions not stated): TOPMed below 0.00001.

Submission:

Labcorp Genetics (formerly Invitae), Labcorp
Classification: Uncertain significance. Last evaluated: 2019-09-09. Review status: criteria provided, single submitter. Criteria: Invitae Variant Classification Sherloc (09022015). Collection method: clinical testing. Allele origin: germline.
Comment: Algorithms developed to predict the effect of missense changes on protein structure and function are either unavailable or do not agree on the potential impact of this missense change (SIFT: "Deleterious"; PolyPhen-2: "Benign"; Align-GVGD: "Class C15"). This variant has not been reported in the literature in individuals with DHX38-related conditions. This variant is not present in population databases (ExAC no frequency). This sequence change replaces serine with tyrosine at codon 291 of the DHX38 protein (p.Ser291Tyr). The serine residue is highly conserved and there is a large physicochemical difference between serine and tyrosine. In summary, the available evidence is currently insufficient to determine the role of this variant in disease. Therefore, it has been classified as a Variant of Uncertain Significance.